The following is an entry in ClinVar:

NM_006005.3(WFS1):c.831G>A (p.Lys277=)

Gene: WFS1 (wolframin ER transmembrane glycoprotein; plus strand). Cytogenetic location: 4p16.1.
Variant type: single nucleotide variant.
Coding change: c.831G>A on transcript NM_006005.3 (MANE Select); coding-DNA position 831, G replaced by A.
Protein change: p.Lys277=; no amino-acid change (lysine 277 retained).
Molecular consequence: synonymous variant.
Genome position (GRCh38, 1-based): chr4:6,295,159, G>A. VCF-style: chr4-6295159-G-A. GRCh37 (hg19) VCF-style: chr4-6296886-G-A.
Other names: c.831G>A, p.Lys277= (NM_001145853.1).
Identifiers: ClinVar variation 517587 (VCV000517587.16), dbSNP rs532368033, ClinGen allele CA2839074.

ClinVar aggregate classification (germline): Benign/Likely benign. Review status: criteria provided, multiple submitters, no conflicts (2 of 4 stars). 5 submissions from 5 submitters: Benign (1); Likely benign (4). Last evaluated 2025-11-17.

Conditions:
Wolfram syndrome 1 (WFS1). Identifiers: Orphanet 3463, MedGen C4551693, MONDO:0009101, OMIM 222300.

Allele frequency attached by ClinVar (database versions not stated): gnomAD below 0.00001 and 0.00007; TOPMed 0.00001; gnomAD exomes 0.00012 and 0.00026; ExAC 0.00029; 1000 Genomes Project 30x 0.00062; 1000 Genomes Project 0.00080.
gnomAD v4.1: 186 of 1,612,296 alleles (0.012%); highest among the groups gnomAD compares: South Asian, 0.2%; 4 homozygotes.

Submissions (5):

Labcorp Genetics (formerly Invitae), Labcorp
Classification: Benign. Last evaluated: 2025-11-17. Review status: criteria provided, single submitter. Criteria: Invitae Variant Classification Sherloc (09022015). Collection method: clinical testing. Allele origin: germline.

Blueprint Genetics
Classification: Likely benign. Last evaluated: 2024-04-25. Review status: criteria provided, single submitter. Criteria: ACMG Guidelines, 2015. Collection method: clinical testing. Allele origin: germline.

GeneDx
Classification: Likely benign. Last evaluated: 2020-11-19. Review status: criteria provided, single submitter. Criteria: GeneDx Variant Classification Process June 2021. Collection method: clinical testing. Allele origin: germline. Affected: yes.

Laboratory for Molecular Medicine, Mass General Brigham Personalized Medicine
Classification: Likely benign. Last evaluated: 2017-12-14. Review status: criteria provided, single submitter. Criteria: LMM Criteria. Collection method: clinical testing. Allele origin: germline. Observed: 1 variant allele.
Comment: p.Lys277Lys in exon 7 of WFS1: This variant is not expected to have clinical sig nificance because it does not alter an amino acid residue and is not located wit hin the splice consensus sequence. It has been identified in 0.20% (63/30776) of South Asian chromosomes by theGenome Aggregation Database (gnomAD; dbSNP rs532368033).

Clinical Genomics, Uppaluri K&H Personalized Medicine Clinic
Classification: Likely benign for Wolfram syndrome 1. Review status: criteria provided, single submitter. Criteria: K & H Uppaluri Personalized Medicine Clinic Variant Classification & Assertion Criteria_Updated V.1. Collection method: research. Allele origin: unknown. Inheritance: Autosomal recessive inheritance.
Comment: Potent mutations in WFS1 gene are associated with Wolfram's syndrome, an autosomal recessive condition, which cause diabetes mellitus, diabetes insipidus, deafness and optic atrophy.However no sufficient evidence is found to ascertain the role of this particular variant rs532368033 in Wolfram's syndrome yet.

Literature cited by the submitters: PubMed 20738327 (cited by Clinical Genomics, Uppaluri K&H Personalized Medicine Clinic); PubMed 33879153 (cited by Clinical Genomics, Uppaluri K&H Personalized Medicine Clinic); PubMed 12955714 (cited by Clinical Genomics, Uppaluri K&H Personalized Medicine Clinic); PubMed 18060660 (cited by Clinical Genomics, Uppaluri K&H Personalized Medicine Clinic); PubMed 20301750 (cited by Clinical Genomics, Uppaluri K&H Personalized Medicine Clinic); PubMed 17603484 (cited by Clinical Genomics, Uppaluri K&H Personalized Medicine Clinic).